The following is an entry in ClinVar:

NM_014795.4(ZEB2):c.2746A>G (p.Ser916Gly)

Gene: ZEB2 (zinc finger E-box binding homeobox 2; minus strand). Cytogenetic location: 2q22.3.
Variant type: single nucleotide variant.
Coding change: c.2746A>G on transcript NM_014795.4 (MANE Select); coding-DNA position 2746, A replaced by G.
Protein change: p.Ser916Gly; replaces serine 916 with glycine.
Molecular consequence: missense variant.
Genome position (GRCh38, 1-based): chr2:144,398,441, T>C on the plus strand (A>G on the coding strand, the complement: ZEB2 is on the minus strand). VCF-style: chr2-144398441-T-C. GRCh37 (hg19) VCF-style: chr2-145156008-T-C.
Other names: c.2674A>G, p.Ser892Gly (NM_001171653.2); short protein forms S916G, S892G.
Identifiers: ClinVar variation 379714 (VCV000379714.1), dbSNP rs1057520707, ClinGen allele CA16603802.
Genomic context (GRCh38, chr2:144,398,441, plus strand): 5'-CCATATGTGGTAGGAAGCTCATCTGATCCAGTCCTGGGTATGGTCGTAGCCCAGGAATAC[T>C]GGTCTGGACTGGTGGCATGAAAGTAGCAGGGGGAAATGCGCTTTGAGGTGGAAGAGCTGT-3'
Protein context (NP_055610.1, residues 906-926): PATFMPPVQT[Ser916Gly]IPGLRPYPGL

ClinVar aggregate classification (germline): Likely benign (1 of 4 stars; one submission).

Allele frequency attached by ClinVar (database versions not stated): TOPMed below 0.00001 and 0.00001; gnomAD 0.00001.
gnomAD v4.1: 2 of 1,613,984 alleles (0.00012%); highest among the groups gnomAD compares: Non-Finnish European, 0.00017%; no homozygotes.

Submission:

GeneDx
Classification: Likely benign. Last evaluated: 2015-08-19. Review status: criteria provided, single submitter. Criteria: GeneDx Variant Classification (06012015). Collection method: clinical testing. Allele origin: germline. Affected: yes.
Comment: This variant is considered likely benign or benign based on one or more of the following criteria: it is a conservative change, it occurs at a poorly conserved position in the protein, it is predicted to be benign by multiple in silico algorithms, and/or has population frequency not consistent with disease.